The following is an entry in ClinVar:

ClinVar aggregate classification (germline): Uncertain significance. Review status: criteria provided, multiple submitters, no conflicts (2 of 4 stars). 11 submissions from 11 submitters: Uncertain significance (7). 4 of the submissions do not count toward it. Last evaluated 2026-01-14.

Conditions:
Cardiovascular phenotype. Identifiers: MedGen CN230736.
Hypertrophic cardiomyopathy 12. Identifiers: MedGen C2677491, MONDO:0012804, OMIM 612124.
Dilated cardiomyopathy 1M (CMD1M). Identifiers: Orphanet 154, MedGen C1843808, MONDO:0011840, OMIM 607482.

Allele frequency attached by ClinVar (database versions not stated): ExAC 0.00004; gnomAD exomes 0.00004; TOPMed 0.00005; gnomAD 0.00008 and 0.00009; ESP Exome Variant Server 0.00015.
gnomAD v4.1: 63 of 1,614,114 alleles (0.0039%); highest among the groups gnomAD compares: African/African-American, 0.0093%; 1 homozygote.

Submissions (11):

Labcorp Genetics (formerly Invitae), Labcorp
Classification: Uncertain significance for Hypertrophic cardiomyopathy 12; Dilated cardiomyopathy 1M. Last evaluated: 2026-01-14. Review status: criteria provided, single submitter. Criteria: Invitae Variant Classification Sherloc (09022015). Collection method: clinical testing. Allele origin: germline.
Comment: This sequence change replaces valine, which is neutral and non-polar, with isoleucine, which is neutral and non-polar, at codon 127 of the CSRP3 protein (p.Val127Ile). This variant is present in population databases (rs149201422, gnomAD 0.02%). This missense change has been observed in individual(s) with dilated cardiomyopathy and/or hypertrophic cardiomyopathy (PMID: 27532257, 31983221, 32880476). ClinVar contains an entry for this variant (Variation ID: 44697). An algorithm developed to predict the effect of missense changes on protein structure and function (PolyPhen-2) suggests that this variant is likely to be disruptive. In summary, the available evidence is currently insufficient to determine the role of this variant in disease. Therefore, it has been classified as a Variant of Uncertain Significance.

Women's Health and Genetics/Laboratory Corporation of America, LabCorp
Classification: Uncertain significance. Last evaluated: 2025-12-01. Review status: criteria provided, single submitter. Criteria: LabCorp Variant Classification Summary - May 2015. Collection method: clinical testing. Allele origin: germline.
Comment: Variant summary: CSRP3 c.379G>A (p.Val127Ile) results in a conservative amino acid change in the encoded protein sequence. Algorithms developed to predict the effect of missense changes on protein structure and function are either unavailable or do not agree on the potential impact of this missense change. The variant allele was found at a frequency of 3.6e-05 in 251366 control chromosomes. The available data on variant occurrences in the general population are insufficient to allow any conclusion about variant significance. c.379G>A has been observed in individuals affected with Cardiomyopathy without strong evidence for causality (Walsh_2017, Mazzarotto_2020, Verdonschot_2020). These report(s) do not provide unequivocal conclusions about association of the variant with Cardiomyopathy. To our knowledge, no experimental evidence demonstrating an impact on protein function has been reported. The following publications have been ascertained in the context of this evaluation (PMID: 31983221, 32880476, 27532257). ClinVar contains an entry for this variant (Variation ID: 44697). Based on the evidence outlined above, the variant was classified as uncertain significance.

Blueprint Genetics
Classification: Uncertain significance. Last evaluated: 2024-01-04. Review status: criteria provided, single submitter. Criteria: ACMG Guidelines, 2015. Collection method: clinical testing. Allele origin: germline.

GeneDx
Classification: Uncertain significance. Last evaluated: 2023-08-07. Review status: criteria provided, single submitter. Criteria: GeneDx Variant Classification Process June 2021. Collection method: clinical testing. Allele origin: germline. Affected: yes.
Comment: Reported in association with HCM (Walsh et al., 2017); In silico analysis supports that this missense variant does not alter protein structure/function; This variant is associated with the following publications: (PMID: 27532257, 31983221, 32880476, 35241752)

Fulgent Genetics
Classification: Uncertain significance for Dilated cardiomyopathy 1M; Hypertrophic cardiomyopathy 12. Last evaluated: 2021-09-20. Review status: criteria provided, single submitter. Criteria: ACMG Guidelines, 2015. Collection method: clinical testing. Allele origin: unknown.

Ambry Genetics
Classification: Uncertain significance for Cardiovascular phenotype. Last evaluated: 2020-01-28. Review status: criteria provided, single submitter. Criteria: Ambry Variant Classification Scheme 2023. Collection method: clinical testing. Allele origin: germline.

Laboratory for Molecular Medicine, Mass General Brigham Personalized Medicine
Classification: Uncertain significance. Last evaluated: 2013-02-08. Review status: criteria provided, single submitter. Criteria: LMM Criteria. Collection method: clinical testing. Allele origin: germline. Observed: 1 variant allele.
Comment: The Val127Ile variant in CSRP3 has not been reported in the literature nor previ ously identified by our laboratory. This variant has been identified in 2/4398 A frican American chromosomes from a broad population by the NHLBI Exome Sequencin g Project (dbSNP rs149201422). This frequency is too low to rule out a role in disease. Computational analyses (biochemical a mino acid properties, conservation, AlignGVGD, PolyPhen2, and SIFT) do not provi de strong support for or against an impact to the protein. In summary, additiona l information is needed to fully assess the clinical significance of the Val127I le variant.

Clinical Genetics, Academic Medical Center
Classification: Uncertain significance. Review status: no assertion criteria provided. Collection method: clinical testing. Allele origin: germline. Affected: yes. Study: VKGL Data-share Consensus. Not counted in ClinVar's aggregate classification.

Diagnostic Laboratory, Department of Genetics, University Medical Center Groningen
Classification: Uncertain significance. Review status: no assertion criteria provided. Collection method: clinical testing. Allele origin: germline. Affected: yes. Study: VKGL Data-share Consensus. Not counted in ClinVar's aggregate classification.

Genome Diagnostics Laboratory, University Medical Center Utrecht
Classification: Uncertain significance. Review status: no assertion criteria provided. Collection method: clinical testing. Allele origin: germline. Affected: yes. Study: VKGL Data-share Consensus. Not counted in ClinVar's aggregate classification.

Joint Genome Diagnostic Labs from Nijmegen and Maastricht, Radboudumc and MUMC+
Classification: Uncertain significance. Review status: no assertion criteria provided. Collection method: clinical testing. Allele origin: germline. Affected: yes. Study: VKGL Data-share Consensus. Not counted in ClinVar's aggregate classification.

Literature cited by the submitters: PubMed 27532257 (cited by Labcorp Genetics (formerly Invitae), Labcorp and Women's Health and Genetics/Laboratory Corporation of America, LabCorp); PubMed 31983221 (cited by Labcorp Genetics (formerly Invitae), Labcorp and Women's Health and Genetics/Laboratory Corporation of America, LabCorp); PubMed 32880476 (cited by Labcorp Genetics (formerly Invitae), Labcorp and Women's Health and Genetics/Laboratory Corporation of America, LabCorp).

NM_003476.5(CSRP3):c.379G>A (p.Val127Ile)

Gene: CSRP3 (cysteine and glycine rich protein 3; minus strand). Cytogenetic location: 11p15.1.
Variant type: single nucleotide variant.
Coding change: c.379G>A on transcript NM_003476.5 (MANE Select); coding-DNA position 379, G replaced by A.
Protein change: p.Val127Ile; replaces valine 127 with isoleucine.
Molecular consequence: missense variant. On other transcripts: synonymous variant (1).
Genome position (GRCh38, 1-based): chr11:19,186,251, C>T on the plus strand (G>A on the coding strand, the complement: CSRP3 is on the minus strand). VCF-style: chr11-19186251-C-T. GRCh37 (hg19) VCF-style: chr11-19207798-C-T.
Other names: c.210G>A, p.Gln70= (NM_001369404.1); short protein forms V127I.
Identifiers: ClinVar variation 44697 (VCV000044697.26), dbSNP rs149201422, ClinGen allele CA134900.